The following is an entry in ClinVar:

NM_006019.4(TCIRG1):c.1754T>C (p.Val585Ala)

Gene: TCIRG1 (T cell immune regulator 1, ATPase H+ transporting V0 subunit a3; plus strand). Cytogenetic location: 11q13.2.
Variant type: single nucleotide variant.
Coding change: c.1754T>C on transcript NM_006019.4 (MANE Select); coding-DNA position 1754, T replaced by C.
Protein change: p.Val585Ala; replaces valine 585 with alanine.
Molecular consequence: missense variant.
Genome position (GRCh38, 1-based): chr11:68,049,161, T>C. VCF-style: chr11-68049161-T-C. GRCh37 (hg19) VCF-style: chr11-67816628-T-C.
Other names: c.860T>C, p.Val287Ala (NM_001351059.2); c.1106T>C, p.Val369Ala (NM_006053.4); short protein forms V585A, V287A, V369A.
Identifiers: ClinVar variation 3633128 (VCV003633128.2).
Genomic context (GRCh38, chr11:68,049,161, plus strand): 5'-GGCTGCTGCTGGAGACGCTGCCGGAGCTCACCTTCCTGCTGGGACTCTTCGGTTACCTCG[T>C]GTTCCTAGTCATCTACAAGTGGCTGTGTGTCTGGGCTGCCAGGGCCGCCTCGGCCCCCAG-3'
Protein context (NP_006010.2, residues 575-595): TFLLGLFGYL[Val585Ala]FLVIYKWLCV

ClinVar aggregate classification (germline): Uncertain significance (1 of 4 stars; one submission).

gnomAD v4.1: 9 of 1,613,990 alleles (0.00056%); highest among the groups gnomAD compares: Non-Finnish European, 0.00076%; no homozygotes.

Submission:

Labcorp Genetics (formerly Invitae), Labcorp
Classification: Uncertain significance. Last evaluated: 2024-10-29. Review status: criteria provided, single submitter. Criteria: Invitae Variant Classification Sherloc (09022015). Collection method: clinical testing. Allele origin: germline.
Comment: This sequence change replaces valine, which is neutral and non-polar, with alanine, which is neutral and non-polar, at codon 585 of the TCIRG1 protein (p.Val585Ala). This variant is not present in population databases (gnomAD no frequency). This variant has not been reported in the literature in individuals affected with TCIRG1-related conditions. Invitae Evidence Modeling of protein sequence and biophysical properties (such as structural, functional, and spatial information, amino acid conservation, physicochemical variation, residue mobility, and thermodynamic stability) indicates that this missense variant is not expected to disrupt TCIRG1 protein function with a negative predictive value of 80%. In summary, the available evidence is currently insufficient to determine the role of this variant in disease. Therefore, it has been classified as a Variant of Uncertain Significance.